The following is an entry in ClinVar:

NM_016026.4(RDH11):c.764T>G (p.Phe255Cys)

Genes: GPHN (gephyrin; plus strand), RDH11 (retinol dehydrogenase 11; minus strand). Cytogenetic location: 14q24.1.
Variant type: single nucleotide variant.
Coding change: c.764T>G on transcript NM_016026.4 (MANE Select); coding-DNA position 764, T replaced by G.
Protein change: p.Phe255Cys; replaces phenylalanine 255 with cysteine.
Molecular consequence: missense variant.
Genome position (GRCh38, 1-based): chr14:67,685,105, A>C on the plus strand (T>G on the coding strand, the complement: RDH11 is on the minus strand). VCF-style: chr14-67685105-A-C. GRCh37 (hg19) VCF-style: chr14-68151822-A-C.
Other names: c.554T>G, p.Phe185Cys (NM_001252650.2); short protein forms F185C, F255C.
Identifiers: ClinVar variation 2047600 (VCV002047600.1), dbSNP rs533043113, ClinGen allele CA7238299.
Genomic context (GRCh38, chr14:67,685,105, plus strand): 5'-CCTTCTGTTAAGGCACAGTGCAGGCTGGTCTGGGCTCCCTGCTGAGGAGTCTTGATGAAA[A>C]AGGAGAAAAGCCACCACATCCATCTCATGAAAGATGAGTGCCGAACCAGTTCAGATTGGA-3'
Protein context (NP_057110.3, residues 245-265): FMRWMWWLFS[Phe255Cys]FIKTPQQGAQ

ClinVar aggregate classification (germline): Uncertain significance (1 of 4 stars; one submission).

Allele frequency attached by ClinVar (database versions not stated): gnomAD exomes 0.00001; ExAC 0.00002; gnomAD 0.00003; TOPMed 0.00003; 1000 Genomes Project 0.00040; 1000 Genomes Project 30x 0.00047.
gnomAD v4.1: 9 of 1,614,122 alleles (0.00056%); highest among the groups gnomAD compares: African/African-American, 0.011%; no homozygotes.

Submission:

Labcorp Genetics (formerly Invitae), Labcorp
Classification: Uncertain significance. Last evaluated: 2022-04-12. Review status: criteria provided, single submitter. Criteria: Invitae Variant Classification Sherloc (09022015). Collection method: clinical testing. Allele origin: germline.
Comment: This sequence change replaces phenylalanine, which is neutral and non-polar, with cysteine, which is neutral and slightly polar, at codon 255 of the RDH11 protein (p.Phe255Cys). This variant is present in population databases (rs533043113, gnomAD 0.02%). This variant has not been reported in the literature in individuals affected with RDH11-related conditions. Algorithms developed to predict the effect of missense changes on protein structure and function output the following: SIFT: "Tolerated"; PolyPhen-2: "Benign"; Align-GVGD: "Class C0". The cysteine amino acid residue is found in multiple mammalian species, which suggests that this missense change does not adversely affect protein function. In summary, the available evidence is currently insufficient to determine the role of this variant in disease. Therefore, it has been classified as a Variant of Uncertain Significance.